The following is an entry in ClinVar:

NM_006440.5(TXNRD2):c.229+6C>A

Gene: TXNRD2 (thioredoxin reductase 2; minus strand). Cytogenetic location: 22q11.21.
Variant type: single nucleotide variant.
Coding change: c.229+6C>A on transcript NM_006440.5 (MANE Select); 6 bases into the intron after coding-DNA position 229, C replaced by A.
Molecular consequence: intron variant.
Genome position (GRCh38, 1-based): chr22:19,919,537, G>T on the plus strand (C>A on the coding strand, the complement: TXNRD2 is on the minus strand). VCF-style: chr22-19919537-G-T. GRCh37 (hg19) VCF-style: chr22-19907060-G-T.
Other names: c.226+6C>A (NM_001352300.2); c.-60+6C>A (NM_001352302.2); c.139+6C>A (NM_001352301.2); c.229+6C>A (NM_001282512.3); c.133+6C>A (NM_001352303.2).
Identifiers: ClinVar variation 3628305 (VCV003628305.2).

ClinVar aggregate classification (germline): Uncertain significance (1 of 4 stars; one submission).

Conditions:
Primary dilated cardiomyopathy (DCM). Also called: Dilated Cardiomyopathy. Identifiers: Orphanet 217604, MedGen C0007193, MeSH D002311, MONDO:0005021, HP:0001644. Inheritance: Various modes of inheritance.

gnomAD v4.1: 2 of 1,557,864 alleles (0.00013%); highest among the groups gnomAD compares: East Asian, 0.0024%; no homozygotes.

Submission:

Labcorp Genetics (formerly Invitae), Labcorp
Classification: Uncertain significance for Primary dilated cardiomyopathy. Last evaluated: 2024-12-05. Review status: criteria provided, single submitter. Criteria: Invitae Variant Classification Sherloc (09022015). Collection method: clinical testing. Allele origin: germline.
Comment: This sequence change falls in intron 3 of the TXNRD2 gene. It does not directly change the encoded amino acid sequence of the TXNRD2 protein. It affects a nucleotide within the consensus splice site. This variant is not present in population databases (gnomAD no frequency). This variant has not been reported in the literature in individuals affected with TXNRD2-related conditions. Variants that disrupt the consensus splice site are a relatively common cause of aberrant splicing (PMID: 17576681, 9536098). Algorithms developed to predict the effect of sequence changes on RNA splicing suggest that this variant is not likely to affect RNA splicing. In summary, the available evidence is currently insufficient to determine the role of this variant in disease. Therefore, it has been classified as a Variant of Uncertain Significance.

Literature cited by the submitters: PubMed 17576681; PubMed 9536098.